The following is an entry in ClinVar:

ClinVar aggregate classification (germline): Uncertain significance. Review status: criteria provided, multiple submitters, no conflicts (2 of 4 stars). 3 submissions from 3 submitters: Uncertain significance (3). Last evaluated 2025-12-11.

Conditions:
Hereditary cancer-predisposing syndrome. Also called: Tumor predisposition; Hereditary Cancer Syndrome; Neoplastic Syndromes, Hereditary; Hereditary neoplastic syndrome. Identifiers: Orphanet 140162, MedGen C0027672, MeSH D009386, MONDO:0015356.
Ataxia-telangiectasia syndrome (AT). Also called: Cerebello-oculocutaneous telangiectasia; Immunodeficiency with ataxia telangiectasia; Ataxia-telangiectasia, complementation group D; AT, COMPLEMENTATION GROUP C; Ataxia-telangiectasia, complementation group E; LOUIS-BAR SYNDROME. Identifiers: Orphanet 100, MedGen C0004135, MONDO:0008840, OMIM 208900.

Submissions (3):

Ambry Genetics
Classification: Uncertain significance for Hereditary cancer-predisposing syndrome. Last evaluated: 2025-12-11. Review status: criteria provided, single submitter. Criteria: Ambry Variant Classification Scheme 2023. Collection method: clinical testing. Allele origin: germline.
Comment: The p.D1485G variant (also known as c.4454A>G), located in coding exon 29 of the ATM gene, results from an A to G substitution at nucleotide position 4454. The aspartic acid at codon 1485 is replaced by glycine, an amino acid with similar properties. This amino acid position is not well conserved in available vertebrate species. In addition, this alteration is predicted to be tolerated by in silico analysis. Since supporting evidence is limited at this time, the clinical significance of this alteration remains unclear.

Labcorp Genetics (formerly Invitae), Labcorp
Classification: Uncertain significance for Ataxia-telangiectasia syndrome. Last evaluated: 2025-08-03. Review status: criteria provided, single submitter. Criteria: Invitae Variant Classification Sherloc (09022015). Collection method: clinical testing. Allele origin: germline.
Comment: This sequence change replaces aspartic acid, which is acidic and polar, with glycine, which is neutral and non-polar, at codon 1485 of the ATM protein (p.Asp1485Gly). This variant is not present in population databases (gnomAD no frequency). This variant has not been reported in the literature in individuals affected with ATM-related conditions. ClinVar contains an entry for this variant (Variation ID: 453521). Invitae Evidence Modeling of protein sequence and biophysical properties (such as structural, functional, and spatial information, amino acid conservation, physicochemical variation, residue mobility, and thermodynamic stability) indicates that this missense variant is not expected to disrupt ATM protein function with a negative predictive value of 95%. RNA analysis performed to evaluate the impact of this missense change on mRNA splicing indicates it does not significantly alter splicing (internal data). In summary, the available evidence is currently insufficient to determine the role of this variant in disease. Therefore, it has been classified as a Variant of Uncertain Significance.

Sema4
Classification: Uncertain significance for Hereditary cancer-predisposing syndrome. Last evaluated: 2022-02-26. Review status: criteria provided, single submitter. Criteria: Sema4 Curation Guidelines. Collection method: curation. Allele origin: germline.
Comment: The ATM c.4454A>G (p.D1485G) variant has not been reported in the literature to our knowledge. This variant is not reported in the population database Genome Aggregation Database (PMID: 32461654), but has been reported in ClinVar (Variation ID: 453521). Functional studies have not been performed, and in silico predictions of the variant's effect on protein function are inconclusive. The evidence is insufficient to meet ACMG/AMP criteria for classifying the variant as benign or pathogenic. Thus, the clinical significance of this variant is currently uncertain.

NM_000051.4(ATM):c.4454A>G (p.Asp1485Gly)

Gene: ATM (ATM serine/threonine kinase; plus strand). Cytogenetic location: 11q22.3.
Variant type: single nucleotide variant.
Coding change: c.4454A>G on transcript NM_000051.4 (MANE Select); coding-DNA position 4454, A replaced by G.
Protein change: p.Asp1485Gly; replaces aspartic acid 1485 with glycine.
Molecular consequence: missense variant.
Genome position (GRCh38, 1-based): chr11:108,292,636, A>G. VCF-style: chr11-108292636-A-G. GRCh37 (hg19) VCF-style: chr11-108163363-A-G.
Other names: c.4454A>G, p.Asp1485Gly (NM_001351834.2); short protein forms D1485G.
Identifiers: ClinVar variation 453521 (VCV000453521.16), dbSNP rs1555099762, ClinGen allele CA382532995.